The following is an entry in ClinVar:

NM_001277115.2(DNAH11):c.5815G>A (p.Gly1939Arg)

Gene: DNAH11 (dynein axonemal heavy chain 11; plus strand). Cytogenetic location: 7p15.3.
Variant type: single nucleotide variant.
Coding change: c.5815G>A on transcript NM_001277115.2 (MANE Select); coding-DNA position 5815, G replaced by A.
Protein change: p.Gly1939Arg; replaces glycine 1939 with arginine.
Molecular consequence: missense variant.
Genome position (GRCh38, 1-based): chr7:21,687,418, G>A. VCF-style: chr7-21687418-G-A. GRCh37 (hg19) VCF-style: chr7-21727036-G-A.
Other names: c.5836G>A, p.Gly1946Arg (NM_003777.3); short protein forms G1946R, G1939R.
Identifiers: ClinVar variation 2062318 (VCV002062318.7), dbSNP rs72657334, ClinGen allele CA155116666.

ClinVar aggregate classification (germline): Conflicting classifications of pathogenicity. Review status: criteria provided, conflicting classifications (1 of 4 stars). 2 submissions from 2 submitters: Pathogenic (1); Uncertain significance (1). Last evaluated 2025-10-14.

Conditions:
Primary ciliary dyskinesia. Also called: Ciliary dyskinesia. Identifiers: Orphanet 244, MedGen C0008780, MONDO:0016575, HP:0012265.

Allele frequency attached by ClinVar (database versions not stated): gnomAD exomes 0.00001; TOPMed 0.00001; gnomAD 0.00002.
gnomAD v4.1: 14 of 1,613,870 alleles (0.00087%); highest among the groups gnomAD compares: Non-Finnish European, 0.0012%; no homozygotes.

Submissions (2):

Women's Health and Genetics/Laboratory Corporation of America, LabCorp
Classification: Uncertain significance. Last evaluated: 2025-10-14. Review status: criteria provided, single submitter. Criteria: LabCorp Variant Classification Summary - May 2015. Collection method: clinical testing. Allele origin: germline.
Comment: Variant summary: DNAH11 c.5815G>A (p.Gly1939Arg) results in a non-conservative amino acid change in the encoded protein sequence. Three of four in-silico tools predict a damaging effect of the variant on protein function. The variant allele was found at a frequency of 4e-06 in 250296 control chromosomes. The available data on variant occurrences in the general population are insufficient to allow any conclusion about variant significance. c.5815G>A has been reported in the literature in the compound heterozygous state in trans with a pathogenic variant in an individual affected with Primary Ciliary Dyskinesia 7 (Knowles_2012). These data do not allow any strong conclusion about variant significance. To our knowledge, no experimental evidence demonstrating an impact on protein function has been reported. The following publications have been ascertained in the context of this evaluation (PMID: 22184204, 34405951, 34133440, 32633470). ClinVar contains an entry for this variant (Variation ID: 2062318). Based on the evidence outlined above, the variant was classified as uncertain significance.

Labcorp Genetics (formerly Invitae), Labcorp
Classification: Pathogenic for Primary ciliary dyskinesia. Last evaluated: 2022-10-19. Review status: criteria provided, single submitter. Criteria: Invitae Variant Classification Sherloc (09022015). Collection method: clinical testing. Allele origin: germline.
Comment: This sequence change replaces glycine, which is neutral and non-polar, with arginine, which is basic and polar, at codon 1939 of the DNAH11 protein (p.Gly1939Arg). This variant is present in population databases (rs72657334, gnomAD 0.0009%). This missense change has been observed in individual(s) with primary ciliary dyskinesia (PMID: 22184204). In at least one individual the data is consistent with being in trans (on the opposite chromosome) from a pathogenic variant. Algorithms developed to predict the effect of missense changes on protein structure and function (SIFT, PolyPhen-2, Align-GVGD) all suggest that this variant is likely to be disruptive. For these reasons, this variant has been classified as Pathogenic.

Literature cited by the submitters: PubMed 22184204 (cited by Women's Health and Genetics/Laboratory Corporation of America, LabCorp and Labcorp Genetics (formerly Invitae), Labcorp); PubMed 34133440 (cited by Women's Health and Genetics/Laboratory Corporation of America, LabCorp); PubMed 34405951 (cited by Women's Health and Genetics/Laboratory Corporation of America, LabCorp); PubMed 32633470 (cited by Women's Health and Genetics/Laboratory Corporation of America, LabCorp).